The following is an entry in ClinVar:

NM_001042492.3(NF1):c.5813-1120G>C

Gene: NF1 (neurofibromin 1; plus strand). Cytogenetic location: 17q11.2.
Variant type: single nucleotide variant.
Coding change: c.5813-1120G>C on transcript NM_001042492.3 (MANE Select); 1120 bases into the intron before coding-DNA position 5813, G replaced by C.
Molecular consequence: intron variant.
Genome position (GRCh38, 1-based): chr17:31,333,718, G>C. VCF-style: chr17-31333718-G-C. GRCh37 (hg19) VCF-style: chr17-29660736-G-C.
Other names: c.5750-1120G>C (NM_000267.4).
Identifiers: ClinVar variation 4293153 (VCV004293153.1).

ClinVar aggregate classification (germline): Uncertain significance (1 of 4 stars; one submission).

Conditions:
Neurofibromatosis, type 1 (NF1). Also called: VON RECKLINGHAUSEN DISEASE; Neurofibromatosis, type I; NEUROFIBROMATOSIS, TYPE I, SOMATIC; Peripheral type neurofibromatosis. Identifiers: Orphanet 636, MedGen C0027831, MONDO:0018975, OMIM 162200. Disease mechanism: loss of function.

Submission:

3billion
Classification: Uncertain significance for Neurofibromatosis, type 1. Last evaluated: 2024-06-11. Review status: criteria provided, single submitter. Criteria: ACMG Guidelines, 2015. Collection method: clinical testing. Allele origin: germline. Affected: yes.
Comment: The variant is not observed in the gnomAD v4.0.0 dataset. Predicted Consequence/Location: Intron variant In silico tools predict the variant to alter splicing and produce an abnormal transcript [SpliceAI: 0.28 (>=0.2, moderate evidence for spliceogenicity)]. Therefore, this variant is classified as VUS according to the recommendation of ACMG/AMP guideline.